The following is an entry in ClinVar:

ClinVar aggregate classification (germline): Conflicting classifications of pathogenicity. Review status: criteria provided, conflicting classifications (1 of 4 stars). 4 submissions from 4 submitters: Uncertain significance (1); Likely benign (2). 1 of the submissions does not count toward it. Last evaluated 2026-01-24.

Conditions:
CCN6-related disorder. Also called: CCN6-related condition.
Progressive pseudorheumatoid dysplasia (PPRD). Also called: Progressive Pseudorheumatoid Arthropathy of Childhood; SPONDYLOEPIPHYSEAL DYSPLASIA TARDA WITH PROGRESSIVE ARTHROPATHY. Identifiers: Orphanet 1159, MedGen C0432215, MONDO:0008827, OMIM 208230. Disease mechanism: loss of function.

Allele frequency attached by ClinVar (database versions not stated): gnomAD 0.00011; gnomAD exomes 0.00013 and 0.00059; TOPMed 0.00025; ExAC 0.00049.
gnomAD v4.1: 197 of 1,614,050 alleles (0.012%); highest among the groups gnomAD compares: Admixed American, 0.27%; 1 homozygote.

Submissions (4):

Labcorp Genetics (formerly Invitae), Labcorp
Classification: Likely benign. Last evaluated: 2026-01-24. Review status: criteria provided, single submitter. Criteria: Invitae Variant Classification Sherloc (09022015). Collection method: clinical testing. Allele origin: germline.

CeGaT Center for Human Genetics Tuebingen
Classification: Uncertain significance. Last evaluated: 2021-09-01. Review status: criteria provided, single submitter. Criteria: CeGaT Center For Human Genetics Tuebingen Variant Classification Criteria Version 2. Collection method: clinical testing. Allele origin: germline. Affected: yes. Observed: 1 variant allele.

Illumina Laboratory Services, Illumina
Classification: Likely benign for Progressive pseudorheumatoid dysplasia. Last evaluated: 2018-01-13. Review status: criteria provided, single submitter. Criteria: ICSL Variant Classification Criteria 13 December 2019. Collection method: clinical testing. Allele origin: germline.
Comment: This variant was observed in the ICSL laboratory as part of a predisposition screen in an ostensibly healthy population. It had not been previously curated by ICSL or reported in the Human Gene Mutation Database (HGMD: prior to June 1st, 2018), and was therefore a candidate for classification through an automated scoring system. Utilizing variant allele frequency, disease prevalence and penetrance estimates, and inheritance mode, an automated score was calculated to assess if this variant is too frequent to cause the disease. Based on the score and internal cut-off values, a variant classified as likely benign is not then subjected to further curation. The score for this variant resulted in a classification of likely benign for this disease.

PreventionGenetics, part of Exact Sciences
Classification: Likely benign for CCN6-related condition. Last evaluated: 2022-05-20. Review status: no assertion criteria provided. Collection method: clinical testing. Allele origin: germline. Not counted in ClinVar's aggregate classification.
Comment: This variant is classified as likely benign based on ACMG/AMP sequence variant interpretation guidelines (Richards et al. 2015 PMID: 25741868, with internal and published modifications).

NM_198239.2(CCN6):c.131G>A (p.Arg44His)

Gene: CCN6 (cellular communication network factor 6; plus strand). Cytogenetic location: 6q21.
Variant type: single nucleotide variant.
Coding change: c.131G>A on transcript NM_198239.2 (MANE Select); coding-DNA position 131, G replaced by A.
Protein change: p.Arg44His; replaces arginine 44 with histidine.
Molecular consequence: missense variant. On other transcripts: non-coding transcript variant (2).
Genome position (GRCh38, 1-based): chr6:112,061,073, G>A. VCF-style: chr6-112061073-G-A. GRCh37 (hg19) VCF-style: chr6-112382276-G-A.
Other names: c.131G>A, p.Arg44His (NM_003880.4); short protein forms R44H.
Identifiers: ClinVar variation 711335 (VCV000711335.48), dbSNP rs782703789, ClinGen allele CA3963918.